The following is an entry in ClinVar:

ClinVar aggregate classification (germline): Conflicting classifications of pathogenicity. Review status: criteria provided, conflicting classifications (1 of 4 stars). 6 submissions from 5 submitters: Uncertain significance (2); Likely benign (4). Last evaluated 2025-11-23.

Conditions:
Left ventricular noncompaction 10 (LVNC10). Identifiers: Orphanet 154, Orphanet 54260, MedGen C3715165, MONDO:0014163, OMIM 615396.
Hypertrophic cardiomyopathy 4. Also called: Familial hypertrophic cardiomyopathy 4. Identifiers: MedGen C1861862, MONDO:0007268, OMIM 115197.
Hypertrophic cardiomyopathy. Also called: HYPERTROPHIC MYOCARDIOPATHY. Identifiers: Orphanet 217569, MedGen C0007194, MeSH D002312, MONDO:0005045, HP:0001639.

Allele frequency attached by ClinVar (database versions not stated): TOPMed 0.00002; 1000 Genomes Project 30x 0.00016.
gnomAD v4.1: 63 of 1,566,928 alleles (0.004%); highest among the groups gnomAD compares: Non-Finnish European, 0.0048%; no homozygotes.

Submissions (6):

Labcorp Genetics (formerly Invitae), Labcorp
Classification: Likely benign for Hypertrophic cardiomyopathy. Last evaluated: 2025-11-23. Review status: criteria provided, single submitter. Criteria: Invitae Variant Classification Sherloc (09022015). Collection method: clinical testing. Allele origin: germline.

Blueprint Genetics
Classification: Likely benign. Last evaluated: 2023-09-19. Review status: criteria provided, single submitter. Criteria: ACMG Guidelines, 2015. Collection method: clinical testing. Allele origin: germline.

Illumina Laboratory Services, Illumina
Classification: Uncertain significance for Left ventricular noncompaction 10. Last evaluated: 2018-01-13. Review status: criteria provided, single submitter. Criteria: ICSL Variant Classification Criteria 13 December 2019. Collection method: clinical testing. Allele origin: germline.

Illumina Laboratory Services, Illumina
Classification: Uncertain significance for Hypertrophic cardiomyopathy 4. Last evaluated: 2018-01-13. Review status: criteria provided, single submitter. Criteria: ICSL Variant Classification Criteria 13 December 2019. Collection method: clinical testing. Allele origin: germline.

GeneDx
Classification: Likely benign. Last evaluated: 2017-01-16. Review status: criteria provided, single submitter. Criteria: GeneDx Variant Classification (06012015). Collection method: clinical testing. Allele origin: germline. Affected: yes.
Comment: This variant is considered likely benign or benign based on one or more of the following criteria: it is a conservative change, it occurs at a poorly conserved position in the protein, it is predicted to be benign by multiple in silico algorithms, and/or has population frequency not consistent with disease.

Laboratory for Molecular Medicine, Mass General Brigham Personalized Medicine
Classification: Likely benign. Last evaluated: 2016-08-04. Review status: criteria provided, single submitter. Criteria: LMM Criteria. Collection method: clinical testing. Allele origin: germline. Observed: 1 variant allele.
Comment: c.1624+13G>C in intron 17 of MYBPC3: This variant is not expected to have clinic al significance because it is not located within the splice consensus sequence. It has been identified in 1/4344 East Asian and 1/5604 South Asian chromosomes by the Exome Aggregation Consortium (ExAC; dbSNP rs397515913).

NM_000256.3(MYBPC3):c.1624+13G>C

Gene: MYBPC3 (myosin binding protein C3; minus strand). Cytogenetic location: 11p11.2.
Variant type: single nucleotide variant.
Coding change: c.1624+13G>C on transcript NM_000256.3 (MANE Select); 13 bases into the intron after coding-DNA position 1624, G replaced by C.
Molecular consequence: intron variant.
Genome position (GRCh38, 1-based): chr11:47,342,565, C>G on the plus strand (G>C on the coding strand, the complement: MYBPC3 is on the minus strand). VCF-style: chr11-47342565-C-G. GRCh37 (hg19) VCF-style: chr11-47364116-C-G.
Identifiers: ClinVar variation 393001 (VCV000393001.16), dbSNP rs397515913, ClinGen allele CA078209.